The following is an entry in ClinVar:

ClinVar aggregate classification (germline): Uncertain significance (1 of 4 stars; one submission).

Submission:

Labcorp Genetics (formerly Invitae), Labcorp
Classification: Uncertain significance. Last evaluated: 2024-03-28. Review status: criteria provided, single submitter. Criteria: Invitae Variant Classification Sherloc (09022015). Collection method: clinical testing. Allele origin: germline.
Comment: This sequence change replaces isoleucine, which is neutral and non-polar, with threonine, which is neutral and polar, at codon 1802 of the ABCA4 protein (p.Ile1802Thr). This variant is not present in population databases (gnomAD no frequency). This variant has not been reported in the literature in individuals affected with ABCA4-related conditions. Advanced modeling of protein sequence and biophysical properties (such as structural, functional, and spatial information, amino acid conservation, physicochemical variation, residue mobility, and thermodynamic stability) performed at Invitae indicates that this missense variant is expected to disrupt ABCA4 protein function with a positive predictive value of 95%. In summary, the available evidence is currently insufficient to determine the role of this variant in disease. Therefore, it has been classified as a Variant of Uncertain Significance.

NM_000350.3(ABCA4):c.5405T>C (p.Ile1802Thr)

Gene: ABCA4 (ATP binding cassette subfamily A member 4; minus strand). Cytogenetic location: 1p22.1.
Variant type: single nucleotide variant.
Coding change: c.5405T>C on transcript NM_000350.3 (MANE Select); coding-DNA position 5405, T replaced by C.
Protein change: p.Ile1802Thr; replaces isoleucine 1802 with threonine.
Molecular consequence: missense variant.
Genome position (GRCh38, 1-based): chr1:94,014,598, A>G on the plus strand (T>C on the coding strand, the complement: ABCA4 is on the minus strand). VCF-style: chr1-94014598-A-G. GRCh37 (hg19) VCF-style: chr1-94480154-A-G.
Other names: c.5183T>C, p.Ile1728Thr (NM_001425324.1); short protein forms I1728T, I1802T.
Identifiers: ClinVar variation 3648086 (VCV003648086.2).
Genomic context (GRCh38, chr1:94,014,598, plus strand): 5'-CTCACCCGGTTATTCTCAAATAATTCCAAGATGAAGGTAATAGCACTGCTGTTGATGCCG[A>G]TGAACAGATTAGCACAAGATAAAGCCACATAGGCTGTGCTGGGGACATCAAACAGGAAGG-3'
Protein context (NP_000341.2, residues 1792-1812): YVALSCANLF[Ile1802Thr]GINSSAITFI